The following is an entry in ClinVar:

NM_025132.4(WDR19):c.1250-197C>T

Gene: WDR19 (WD repeat domain 19; plus strand). Cytogenetic location: 4p14.
Variant type: single nucleotide variant.
Coding change: c.1250-197C>T on transcript NM_025132.4 (MANE Select); 197 bases into the intron before coding-DNA position 1250, C replaced by T.
Molecular consequence: intron variant.
Genome position (GRCh38, 1-based): chr4:39,216,937, C>T. VCF-style: chr4-39216937-C-T. GRCh37 (hg19) VCF-style: chr4-39218557-C-T.
Other names: c.770-197C>T (NM_001317924.2).
Identifiers: ClinVar variation 3766129 (VCV003766129.2).
Genomic context (GRCh38, chr4:39,216,937, plus strand): 5'-GCATATAATTTTATTTTCTATTACTTTGTTTCAGGTAAACCATAATGGAATGCCTGAAGG[C>T]AAATTTATATGGCAACTAAGATTAAAATGAAATTTAATCTTTAAGATTCAATTTAATTAT-3'

ClinVar aggregate classification (germline): Uncertain significance (1 of 4 stars; one submission).

gnomAD v4.1: 3 of 152,018 alleles (0.002%); highest among the groups gnomAD compares: Non-Finnish European, 0.0044%; no homozygotes.

Submission:

GeneDx
Classification: Uncertain significance. Last evaluated: 2025-10-13. Review status: criteria provided, single submitter. Criteria: GeneDx Variant Classification Process June 2021. Collection method: clinical testing. Allele origin: germline.
Comment: In silico analysis supports a deleterious effect on splicing; No data available from control populations to assess the frequency of this variant; This variant is associated with the following publications: (PMID: 34216551)